The following is an entry in ClinVar:

NM_012424.6(RPS6KC1):c.3074G>A (p.Arg1025His)

Gene: RPS6KC1 (ribosomal protein S6 kinase C1; plus strand). Cytogenetic location: 1q32.3.
Variant type: single nucleotide variant.
Coding change: c.3074G>A on transcript NM_012424.6 (MANE Select); coding-DNA position 3074, G replaced by A.
Protein change: p.Arg1025His; replaces arginine 1025 with histidine.
Molecular consequence: missense variant. On other transcripts: non-coding transcript variant (4).
Genome position (GRCh38, 1-based): chr1:213,262,800, G>A. VCF-style: chr1-213262800-G-A. GRCh37 (hg19) VCF-style: chr1-213436143-G-A.
Other names: c.3038G>A, p.Arg1013His (NM_001136138.4); c.2438G>A, p.Arg813His (NM_001287218.3, NM_001287219.3, NM_001349654.2); c.1679G>A, p.Arg560His (NM_001287220.3, NM_001349664.2, NM_001349665.2 and 7 more transcripts); c.2531G>A, p.Arg844His (NM_001287221.3, NM_001349653.2, NM_001349648.2 and 4 more transcripts); c.2981G>A, p.Arg994His (NM_001349646.2); c.2711G>A, p.Arg904His (NM_001349647.2); c.2183G>A, p.Arg728His (NM_001349657.2, NM_001349658.2); c.2018G>A, p.Arg673His (NM_001349659.2, NM_001349660.2, NM_001349661.2 and 1 more transcripts); and 1 more; short protein forms R1025H, R530H, R728H, R560H, R844H, R994H, R1013H, R673H.
Identifiers: ClinVar variation 1937763 (VCV001937763.7), dbSNP rs746728308, ClinGen allele CA344888183.

ClinVar aggregate classification (germline): Uncertain significance. Review status: criteria provided, multiple submitters, no conflicts (2 of 4 stars). 2 submissions from 2 submitters: Uncertain significance (2). Last evaluated 2023-06-14.

Allele frequency attached by ClinVar (database versions not stated): TOPMed below 0.00001; gnomAD 0.00001; gnomAD exomes 0.00001.
gnomAD v4.1: 7 of 1,606,428 alleles (0.00044%); highest among the groups gnomAD compares: Non-Finnish European, 0.00051%; no homozygotes.

Submissions (2):

Labcorp Genetics (formerly Invitae), Labcorp
Classification: Uncertain significance. Last evaluated: 2023-06-14. Review status: criteria provided, single submitter. Criteria: Invitae Variant Classification Sherloc (09022015). Collection method: clinical testing. Allele origin: germline.
Comment: This variant is not present in population databases (gnomAD no frequency). In summary, the available evidence is currently insufficient to determine the role of this variant in disease. Therefore, it has been classified as a Variant of Uncertain Significance. An algorithm developed to predict the effect of missense changes on protein structure and function (PolyPhen-2) suggests that this variant is likely to be disruptive. ClinVar contains an entry for this variant (Variation ID: 1937763). This variant has not been reported in the literature in individuals affected with RPS6KC1-related conditions. This sequence change replaces arginine, which is basic and polar, with histidine, which is basic and polar, at codon 1025 of the RPS6KC1 protein (p.Arg1025His).

Ambry Genetics
Classification: Uncertain significance. Last evaluated: 2023-04-25. Review status: criteria provided, single submitter. Criteria: Ambry Variant Classification Scheme 2023. Collection method: clinical testing. Allele origin: germline.